The following is an entry in ClinVar:

NM_000041.4(APOE):c.296A>G (p.Gln99Arg)

Gene: APOE (apolipoprotein E; plus strand). Cytogenetic location: 19q13.32.
Variant type: single nucleotide variant.
Coding change: c.296A>G on transcript NM_000041.4 (MANE Select); coding-DNA position 296, A replaced by G.
Protein change: p.Gln99Arg; replaces glutamine 99 with arginine.
Molecular consequence: missense variant.
Genome position (GRCh38, 1-based): chr19:44,908,592, A>G. VCF-style: chr19-44908592-A-G. GRCh37 (hg19) VCF-style: chr19-45411849-A-G.
Other names: c.374A>G, p.Gln125Arg (NM_001302688.2); c.296A>G, p.Gln99Arg (NM_001302689.2, NM_001302690.2, NM_001302691.2); short protein forms Q99R, Q125R.
Identifiers: ClinVar variation 1798256 (VCV001798256.3), dbSNP rs577618688, ClinGen allele CA9506033.

ClinVar aggregate classification (germline): Uncertain significance (1 of 4 stars; one submission).

Conditions:
Cardiovascular phenotype. Identifiers: MedGen CN230736.

Allele frequency attached by ClinVar (database versions not stated): gnomAD exomes below 0.00001; ExAC 0.00003; TOPMed 0.00006; gnomAD 0.00008; 1000 Genomes Project 30x 0.00031; 1000 Genomes Project 0.00040.

Submission:

Ambry Genetics
Classification: Uncertain significance for Cardiovascular phenotype. Last evaluated: 2024-09-24. Review status: criteria provided, single submitter. Criteria: Ambry Variant Classification Scheme 2023. Collection method: clinical testing. Allele origin: germline.
Comment: The p.Q99R variant (also known as c.296A>G), located in coding exon 3 of the APOE gene, results from an A to G substitution at nucleotide position 296. The glutamine at codon 99 is replaced by arginine, an amino acid with highly similar properties. This amino acid position is not well conserved in available vertebrate species. In addition, this alteration is predicted to be tolerated by in silico analysis. Since supporting evidence is limited at this time, the clinical significance of this alteration remains unclear.